The following is an entry in ClinVar:

NM_002292.4(LAMB2):c.1403G>A (p.Arg468Gln)

Gene: LAMB2 (laminin subunit beta 2; minus strand). Cytogenetic location: 3p21.31.
Variant type: single nucleotide variant.
Coding change: c.1403G>A on transcript NM_002292.4 (MANE Select); coding-DNA position 1403, G replaced by A.
Protein change: p.Arg468Gln; replaces arginine 468 with glutamine.
Molecular consequence: missense variant.
Genome position (GRCh38, 1-based): chr3:49,129,841, C>T on the plus strand (G>A on the coding strand, the complement: LAMB2 is on the minus strand). VCF-style: chr3-49129841-C-T. GRCh37 (hg19) VCF-style: chr3-49167274-C-T.
Other names: short protein forms R468Q.
Identifiers: ClinVar variation 583281 (VCV000583281.5), dbSNP rs572289637, ClinGen allele CA2394614.

ClinVar aggregate classification (germline): Conflicting classifications of pathogenicity. Review status: criteria provided, conflicting classifications (1 of 4 stars). 3 submissions from 3 submitters: Uncertain significance (2); Likely benign (1). Last evaluated 2025-03-03.

Conditions:
Inborn genetic diseases. Identifiers: MedGen C0950123, MeSH D030342.
Pierson syndrome. Also called: MICROCORIA-CONGENITAL NEPHROTIC SYNDROME. Identifiers: Orphanet 2670, MedGen C1836876, MONDO:0012184, OMIM 609049.
LAMB2-related infantile-onset nephrotic syndrome. Also called: NEPHROTIC SYNDROME, TYPE 5, WITHOUT OCULAR ABNORMALITIES; NEPHROTIC SYNDROME, TYPE 5, WITH OCULAR ABNORMALITIES; Nephrotic Syndrome, type 5. Identifiers: Orphanet 306507, MedGen C3280113, MONDO:0013621, OMIM 614199.

Allele frequency attached by ClinVar (database versions not stated): gnomAD 0.00003; TOPMed 0.00004; 1000 Genomes Project 30x 0.00016; 1000 Genomes Project 0.00020.

Submissions (3):

Ambry Genetics
Classification: Likely benign for Inborn genetic diseases. Last evaluated: 2025-03-03. Review status: criteria provided, single submitter. Criteria: Ambry Variant Classification Scheme 2023. Collection method: clinical testing. Allele origin: germline.

Fulgent Genetics
Classification: Uncertain significance for Pierson syndrome; LAMB2-related infantile-onset nephrotic syndrome. Last evaluated: 2021-11-30. Review status: criteria provided, single submitter. Criteria: ACMG Guidelines, 2015. Collection method: clinical testing. Allele origin: unknown.

Labcorp Genetics (formerly Invitae), Labcorp
Classification: Uncertain significance for LAMB2-related infantile-onset nephrotic syndrome; Pierson syndrome. Last evaluated: 2021-08-30. Review status: criteria provided, single submitter. Criteria: Invitae Variant Classification Sherloc (09022015). Collection method: clinical testing. Allele origin: germline.
Comment: This sequence change replaces arginine with glutamine at codon 468 of the LAMB2 protein (p.Arg468Gln). The arginine residue is moderately conserved and there is a small physicochemical difference between arginine and glutamine. This variant is present in population databases (rs572289637, ExAC 0.02%). This variant has not been reported in the literature in individuals affected with LAMB2-related conditions. Algorithms developed to predict the effect of missense changes on protein structure and function output the following: SIFT: "Tolerated"; PolyPhen-2: "Benign"; Align-GVGD: "Class C0". The glutamine amino acid residue is found in multiple mammalian species, which suggests that this missense change does not adversely affect protein function. Algorithms developed to predict the effect of sequence changes on RNA splicing suggest that this variant may create or strengthen a splice site. In summary, the available evidence is currently insufficient to determine the role of this variant in disease. Therefore, it has been classified as a Variant of Uncertain Significance.